The following is an entry in ClinVar:

ClinVar aggregate classification (germline): Uncertain significance. Review status: criteria provided, multiple submitters, no conflicts (2 of 4 stars). 11 submissions from 11 submitters: Uncertain significance (10). 1 of the submissions does not count toward it. Last evaluated 2026-01-18.

Conditions:
Hereditary breast ovarian cancer syndrome. Also called: BRCA1- and BRCA2-Associated Hereditary Breast and Ovarian Cancer; Hereditary breast and/or ovarian cancer syndrome; Hereditary breast and ovarian cancer; Breast and ovarian cancer; Hereditary breast and ovarian cancer syndrome (HBOC); Hereditary breast and ovarian cancer syndrome. Identifiers: Orphanet 145, MedGen C0677776, MeSH D061325, MONDO:0003582. Disease mechanism: loss of function.
Familial cancer of breast. Also called: hereditary breast carcinoma; BREAST CANCER, FAMILIAL; Hereditary breast cancer. Identifiers: Orphanet 227535, MedGen C0346153, MONDO:0016419, OMIM 114480. Disease mechanism: loss of function.
BARD1-related disorder. Also called: BARD1-related condition.
Hereditary cancer-predisposing syndrome. Also called: Hereditary neoplastic syndrome; Neoplastic Syndromes, Hereditary; Hereditary Cancer Syndrome; Tumor predisposition. Identifiers: Orphanet 140162, MedGen C0027672, MeSH D009386, MONDO:0015356.

Allele frequency attached by ClinVar (database versions not stated): gnomAD 0.00001; ExAC 0.00003; TOPMed 0.00003; gnomAD exomes 0.00004; 1000 Genomes Project 30x 0.00016; 1000 Genomes Project 0.00020.
gnomAD v4.1: 21 of 1,603,354 alleles (0.0013%); highest among the groups gnomAD compares: East Asian, 0.038%; no homozygotes.

Submissions (11):

Labcorp Genetics (formerly Invitae), Labcorp
Classification: Uncertain significance for Familial cancer of breast. Last evaluated: 2026-01-18. Review status: criteria provided, single submitter. Criteria: Invitae Variant Classification Sherloc (09022015). Collection method: clinical testing. Allele origin: germline.
Comment: This sequence change replaces cysteine, which is neutral and slightly polar, with tyrosine, which is neutral and polar, at codon 78 of the BARD1 protein (p.Cys78Tyr). This variant is present in population databases (rs199780731, gnomAD 0.04%). This variant has not been reported in the literature in individuals affected with BARD1-related conditions. ClinVar contains an entry for this variant (Variation ID: 371950). An algorithm developed to predict the effect of missense changes on protein structure and function (PolyPhen-2) suggests that this variant is likely to be tolerated. In summary, the available evidence is currently insufficient to determine the role of this variant in disease. Therefore, it has been classified as a Variant of Uncertain Significance.

PreventionGenetics, part of Exact Sciences
Classification: Uncertain significance for BARD1-related condition. Last evaluated: 2025-12-09. Review status: criteria provided, single submitter. Criteria: ACMG Guidelines, 2015. Collection method: clinical testing. Allele origin: germline.
Comment: The BARD1 c.233G>A variant is predicted to result in the amino acid substitution p.Cys78Tyr. This variant has been reported in the literature individuals with breast cancer or colorectal cancer and in controls (Breast Cancer Association Consortium et al. 2021. PubMed ID: 33471991; Fujita et al. 2020. PubMed ID: 33309985). This variant is reported in 0.039% of alleles in individuals of East Asian descent in gnomAD. This variant is interpreted as uncertain in ClinVar (Variation ID: 371950). At this time, the clinical significance of this variant is uncertain due to the absence of conclusive functional and genetic evidence.

Color Diagnostics, LLC DBA Color Health
Classification: Uncertain significance for Hereditary cancer-predisposing syndrome. Last evaluated: 2025-07-08. Review status: criteria provided, single submitter. Criteria: ACMG Guidelines, 2015. Collection method: clinical testing. Allele origin: germline.
Comment: This missense variant replaces cysteine with tyrosine at codon 78 of the BARD1 protein. Computational prediction suggests that this variant may not impact protein structure and function. To our knowledge, functional studies have not been reported for this variant. In a breast cancer case-control study, this variant was reported in 5/60466 cases and 4/53461 controls (PMID: 33471991). In a colorectal cancer case-control study in Japan, this variant was reported in 11/12473 cases and 20/23692 controls (PMID: 33309985). This variant has been identified in 9/243944 chromosomes (7/17895 East Asian chromosomes) in the general population by the Genome Aggregation Database (gnomAD). The available evidence is insufficient to determine the role of this variant in disease conclusively. Therefore, this variant is classified as a Variant of Uncertain Significance.

Ambry Genetics
Classification: Uncertain significance for Hereditary cancer-predisposing syndrome. Last evaluated: 2025-05-15. Review status: criteria provided, single submitter. Criteria: Ambry Variant Classification Scheme 2023. Collection method: clinical testing. Allele origin: germline.
Comment: The p.C78Y variant (also known as c.233G>A), located in coding exon 3 of the BARD1 gene, results from a G to A substitution at nucleotide position 233. The cysteine at codon 78 is replaced by tyrosine, an amino acid with highly dissimilar properties. This variant has been identified in 11/12462 unselected Japanese colorectal cancer patients and in 20/23672 controls (Fujita M et al. Clin Gastroenterol Hepatol, 2020 Dec;:). This variant was also reported in 5/60,466 breast cancer cases and in 4/53,461 controls (Dorling et al. N Engl J Med. 2021 02;384:428-439). This amino acid position is well conserved in available vertebrate species. In addition, this alteration is predicted to be tolerated by in silico analysis. Since supporting evidence is limited at this time, the clinical significance of this alteration remains unclear.

Baylor Genetics
Classification: Uncertain significance for Familial cancer of breast. Last evaluated: 2023-12-12. Review status: criteria provided, single submitter. Criteria: ACMG Guidelines, 2015. Collection method: clinical testing. Allele origin: unknown.

GeneDx
Classification: Uncertain significance. Last evaluated: 2023-04-11. Review status: criteria provided, single submitter. Criteria: GeneDx Variant Classification Process June 2021. Collection method: clinical testing. Allele origin: germline. Affected: yes.
Comment: In silico analysis supports that this missense variant has a deleterious effect on protein structure/function; Observed in individuals with breast or colorectal cancer and also in unaffected controls (Fujita et al., 2020; Dorling et al., 2021); This variant is associated with the following publications: (PMID: 18480049, 33309985, 33471991)

Myriad Genetics, Inc.
Classification: Uncertain significance for Familial cancer of breast. Last evaluated: 2023-02-23. Review status: criteria provided, single submitter. Criteria: Myriad Autosomal Dominant, Autosomal Recessive and X-Linked Classification Criteria (2023). Collection method: clinical testing. Allele origin: unknown.
Comment: This variant is classified as a variant of uncertain significance as there is insufficient evidence to determine its impact on protein function and/or cancer risk.

Department of Pathology and Laboratory Medicine, Sinai Health System
Classification: Uncertain significance for Familial cancer of breast. Last evaluated: 2023-02-22. Review status: criteria provided, single submitter. Criteria: ACMG Guidelines, 2015. Collection method: clinical testing. Allele origin: germline. Affected: yes.

Sema4
Classification: Uncertain significance for Hereditary cancer-predisposing syndrome. Last evaluated: 2022-02-08. Review status: criteria provided, single submitter. Criteria: Sema4 Curation Guidelines. Collection method: curation. Allele origin: germline.
Comment: The BARD1 c.233G>A (p.C78Y) variant has been reported in 5/60466 women with breast cancer and 4/53,461 controls in a large breast cancer case control study (PMID 33471991). This variant was observed in 7/17902 chromosomes in the East Asian population, according to the Genome Aggregation Database (PMID: 32461654). The variant has been reported in ClinVar (Variation ID 371950). Functional studies have not been performed, and in silico predictions of the variant's effect on protein function are inconclusive. The evidence is insufficient to meet ACMG/AMP criteria for classifying the variant as benign or pathogenic. Thus, the clinical significance of this variant is currently uncertain.

Cancer Genomics Group, Japanese Foundation For Cancer Research
Classification: Uncertain significance for Hereditary breast and ovarian cancer syndrome. Last evaluated: 2019-05-01. Review status: criteria provided, single submitter. Criteria: ACMG Guidelines, 2015. Collection method: research. Allele origin: germline. Affected: yes.

Counsyl
Classification: Uncertain significance for Familial cancer of breast. Last evaluated: 2016-09-07. Review status: no assertion criteria provided. Collection method: clinical testing. Allele origin: unknown. Not counted in ClinVar's aggregate classification.

Literature cited by the submitters: PubMed 33309985 (cited by 3 submitters); PubMed 33471991 (cited by 4 submitters).

NM_000465.4(BARD1):c.233G>A (p.Cys78Tyr)

Gene: BARD1 (BRCA1 associated RING domain 1; minus strand). Cytogenetic location: 2q35.
Variant type: single nucleotide variant.
Coding change: c.233G>A on transcript NM_000465.4 (MANE Select); coding-DNA position 233, G replaced by A.
Protein change: p.Cys78Tyr; replaces cysteine 78 with tyrosine.
Molecular consequence: missense variant. On other transcripts: non-coding transcript variant (1), intron variant (2).
Genome position (GRCh38, 1-based): chr2:214,792,428, C>T on the plus strand (G>A on the coding strand, the complement: BARD1 is on the minus strand). VCF-style: chr2-214792428-C-T. GRCh37 (hg19) VCF-style: chr2-215657152-C-T.
Other names: c.176G>A, p.Cys59Tyr (NM_001282543.2); c.233G>A, p.Cys78Tyr (NM_001282549.2); c.158+16984G>A (NM_001282548.2); c.215+4633G>A (NM_001282545.2); short protein forms C78Y, C59Y.
Identifiers: ClinVar variation 371950 (VCV000371950.29), dbSNP rs199780731, ClinGen allele CA2090460.